The following is an entry in ClinVar:

NM_001256789.3(CACNA1F):c.1816C>T (p.Gln606Ter)

Gene: CACNA1F (calcium voltage-gated channel subunit alpha1 F; minus strand). Cytogenetic location: Xp11.23.
Variant type: single nucleotide variant.
Coding change: c.1816C>T on transcript NM_001256789.3 (MANE Select); coding-DNA position 1816, C replaced by T.
Protein change: p.Gln606Ter; replaces glutamine 606 with a stop codon.
Molecular consequence: nonsense.
Genome position (GRCh38, 1-based): chrX:49,224,822, G>A on the plus strand (C>T on the coding strand, the complement: CACNA1F is on the minus strand). VCF-style: chrX-49224822-G-A. GRCh37 (hg19) VCF-style: chrX-49081284-G-A.
Other names: c.1654C>T, p.Gln552Ter (NM_001256790.3); c.1849C>T, p.Gln617Ter (NM_005183.4); short protein forms Q552*, Q606*, Q617*.
Identifiers: ClinVar variation 2572790 (VCV002572790.2), dbSNP rs1602647939, ClinGen allele CA412914651.

ClinVar aggregate classification (germline): Pathogenic. Review status: criteria provided, multiple submitters, no conflicts (2 of 4 stars). 2 submissions from 2 submitters: Pathogenic (2). Last evaluated 2023-01-11.

Conditions:
CACNA1F-related disorder. Also called: CACNA1F-related condition.

Submissions (2):

GeneDx
Classification: Pathogenic. Last evaluated: 2023-01-11. Review status: criteria provided, single submitter. Criteria: GeneDx Variant Classification Process June 2021. Collection method: clinical testing. Allele origin: germline. Affected: yes.
Comment: Nonsense variant predicted to result in protein truncation or nonsense mediated decay in a gene for which loss of function is a known mechanism of disease; Not observed at significant frequency in large population cohorts (gnomAD); This variant is associated with the following publications: (PMID: 25307992, 33668843)

Blueprint Genetics
Classification: Pathogenic for CACNA1F-related disorders. Last evaluated: 2018-09-11. Review status: criteria provided, single submitter. Criteria: ACMG Guidelines, 2015. Collection method: clinical testing. Allele origin: germline. Affected: yes. Observed: 1 variant allele.